The following is an entry in ClinVar:

NM_004655.4(AXIN2):c.1467C>A (p.Pro489=)

Gene: AXIN2 (axin 2; minus strand). Cytogenetic location: 17q24.1.
Variant type: single nucleotide variant.
Coding change: c.1467C>A on transcript NM_004655.4 (MANE Select); coding-DNA position 1467, C replaced by A.
Protein change: p.Pro489=; no amino-acid change (proline 489 retained).
Molecular consequence: synonymous variant.
Genome position (GRCh38, 1-based): chr17:65,537,569, G>T on the plus strand (C>A on the coding strand, the complement: AXIN2 is on the minus strand). VCF-style: chr17-65537569-G-T. GRCh37 (hg19) VCF-style: chr17-63533687-G-T.
Other names: c.1467C>A, p.Pro489= (NM_001363813.1); c.1467C>A (LRG_296t1).
Identifiers: ClinVar variation 533264 (VCV000533264.11), dbSNP rs1199756577, ClinGen allele CA501691579.

ClinVar aggregate classification (germline): Benign/Likely benign. Review status: criteria provided, multiple submitters, no conflicts (2 of 4 stars). 3 submissions from 3 submitters: Benign (1); Likely benign (2). Last evaluated 2024-07-03.

Conditions:
Oligodontia-cancer predisposition syndrome. Also called: TOOTH AGENESIS-COLORECTAL CANCER SYNDROME. Identifiers: Orphanet 300576, MedGen C1837750, MONDO:0012075, OMIM 608615. Disease mechanism: loss of function.
Hereditary cancer-predisposing syndrome. Also called: Hereditary neoplastic syndrome; Neoplastic Syndromes, Hereditary; Tumor predisposition; Hereditary Cancer Syndrome. Identifiers: Orphanet 140162, MedGen C0027672, MeSH D009386, MONDO:0015356.

gnomAD v4.1: 1 of 1,610,354 alleles (0.000062%); highest among the groups gnomAD compares: Non-Finnish European, 0.000085%; no homozygotes.

Submissions (3):

Myriad Genetics, Inc.
Classification: Benign for Oligodontia-cancer predisposition syndrome. Last evaluated: 2024-07-03. Review status: criteria provided, single submitter. Criteria: Myriad Autosomal Dominant, Autosomal Recessive and X-Linked Classification Criteria (2023). Collection method: clinical testing. Allele origin: unknown.
Comment: This variant is considered benign. This variant is a silent/synonymous amino acid change and it is not expected to impact splicing.

Ambry Genetics
Classification: Likely benign for Hereditary cancer-predisposing syndrome. Last evaluated: 2023-07-12. Review status: criteria provided, single submitter. Criteria: Ambry Variant Classification Scheme 2023. Collection method: clinical testing. Allele origin: germline.

Labcorp Genetics (formerly Invitae), Labcorp
Classification: Likely benign for Oligodontia-cancer predisposition syndrome. Last evaluated: 2020-07-13. Review status: criteria provided, single submitter. Criteria: Invitae Variant Classification Sherloc (09022015). Collection method: clinical testing. Allele origin: germline.